The following is an entry in ClinVar:

NM_025137.4(SPG11):c.106G>A (p.Glu36Lys)

Gene: SPG11 (SPG11 vesicle trafficking associated, spatacsin; minus strand). Cytogenetic location: 15q21.1.
Variant type: single nucleotide variant.
Coding change: c.106G>A on transcript NM_025137.4 (MANE Select); coding-DNA position 106, G replaced by A.
Protein change: p.Glu36Lys; replaces glutamic acid 36 with lysine.
Molecular consequence: missense variant.
Genome position (GRCh38, 1-based): chr15:44,663,542, C>T on the plus strand (G>A on the coding strand, the complement: SPG11 is on the minus strand). VCF-style: chr15-44663542-C-T. GRCh37 (hg19) VCF-style: chr15-44955740-C-T.
Other names: c.106G>A (NM_025137.3); c.106G>A, p.Glu36Lys (NM_001160227.2); short protein forms E36K.
Identifiers: ClinVar variation 1508163 (VCV001508163.6), dbSNP rs1174925032, ClinGen allele CA392238774.

ClinVar aggregate classification (germline): Uncertain significance. Review status: criteria provided, multiple submitters, no conflicts (2 of 4 stars). 2 submissions from 2 submitters: Uncertain significance (2). Last evaluated 2023-09-13.

Conditions:
Hereditary spastic paraplegia 11. Also called: Spastic paraplegia, mental retardation and thin corpus callosum; SPASTIC PARAPLEGIA, AUTOSOMAL RECESSIVE, COMPLICATED, WITH THIN CORPUS CALLOSUM; SPASTIC PARAPLEGIA, AUTOSOMAL RECESSIVE, WITH MENTAL IMPAIRMENT AND THIN CORPUS CALLOSUM; Spastic Paraplegia 11; Nakamura Osame syndrome; Autosomal recessive hereditary spastic paraplegia, mental impairment, and thin corpus callosum. Identifiers: Orphanet 2822, MedGen C1858479, MONDO:0011445, OMIM 604360.
Inborn genetic diseases. Identifiers: MedGen C0950123, MeSH D030342.

Allele frequency attached by ClinVar (database versions not stated): TOPMed 0.00001.
gnomAD v4.1: 2 of 1,597,782 alleles (0.00013%); highest among the groups gnomAD compares: Non-Finnish European, 0.00017%; no homozygotes.

Submissions (2):

Ambry Genetics
Classification: Uncertain significance for Inborn genetic diseases. Last evaluated: 2023-09-13. Review status: criteria provided, single submitter. Criteria: Ambry Variant Classification Scheme 2023. Collection method: clinical testing. Allele origin: germline.

Labcorp Genetics (formerly Invitae), Labcorp
Classification: Uncertain significance for Hereditary spastic paraplegia 11. Last evaluated: 2021-08-28. Review status: criteria provided, single submitter. Criteria: Invitae Variant Classification Sherloc (09022015). Collection method: clinical testing. Allele origin: germline.
Comment: This sequence change replaces glutamic acid with lysine at codon 36 of the SPG11 protein (p.Glu36Lys). The glutamic acid residue is moderately conserved and there is a small physicochemical difference between glutamic acid and lysine. This variant is not present in population databases (ExAC no frequency). This variant has not been reported in the literature in individuals affected with SPG11-related conditions. Algorithms developed to predict the effect of missense changes on protein structure and function are either unavailable or do not agree on the potential impact of this missense change (SIFT: "Deleterious"; PolyPhen-2: "Probably Damaging"; Align-GVGD: "Class C0"). In summary, the available evidence is currently insufficient to determine the role of this variant in disease. Therefore, it has been classified as a Variant of Uncertain Significance.